The following is an entry in ClinVar:

NM_152703.5(SAMD9L):c.3776A>G (p.Asn1259Ser)

Gene: SAMD9L (sterile alpha motif domain containing 9 like; minus strand). Cytogenetic location: 7q21.2.
Variant type: single nucleotide variant.
Coding change: c.3776A>G on transcript NM_152703.5 (MANE Select); coding-DNA position 3776, A replaced by G.
Protein change: p.Asn1259Ser; replaces asparagine 1259 with serine.
Molecular consequence: missense variant.
Genome position (GRCh38, 1-based): chr7:93,132,196, T>C on the plus strand (A>G on the coding strand, the complement: SAMD9L is on the minus strand). VCF-style: chr7-93132196-T-C. GRCh37 (hg19) VCF-style: chr7-92761509-T-C.
Other names: c.3776A>G, p.Asn1259Ser (NM_001303496.3, NM_001303497.3, NM_001303498.3 and 5 more transcripts); short protein forms N1259S.
Identifiers: ClinVar variation 4842044 (VCV004842044.1).

ClinVar aggregate classification (germline): Uncertain significance (1 of 4 stars; one submission).

Conditions:
Inborn genetic diseases. Identifiers: MedGen C0950123, MeSH D030342.

Submission:

Ambry Genetics
Classification: Uncertain significance for Inborn genetic diseases. Last evaluated: 2026-01-14. Review status: criteria provided, single submitter. Criteria: Ambry Variant Classification Scheme 2023. Collection method: clinical testing. Allele origin: germline.
Comment: The p.N1259S variant (also known as c.3776A>G), located in coding exon 1 of the SAMD9L gene, results from an A to G substitution at nucleotide position 3776. The asparagine at codon 1259 is replaced by serine, an amino acid with highly similar properties. This amino acid position is conserved. In addition, this alteration is predicted to be tolerated by in silico analysis. Based on the available evidence, the clinical significance of this variant remains unclear.